The following is an entry in ClinVar:

ClinVar aggregate classification (germline): Benign/Likely benign. Review status: criteria provided, multiple submitters, no conflicts (2 of 4 stars). 3 submissions from 3 submitters: Benign (1); Likely benign (2). Last evaluated 2025-03-26.

Conditions:
Hereditary cancer-predisposing syndrome. Also called: Tumor predisposition; Neoplastic Syndromes, Hereditary; Hereditary Cancer Syndrome; Hereditary neoplastic syndrome. Identifiers: Orphanet 140162, MedGen C0027672, MeSH D009386, MONDO:0015356.
Peutz-Jeghers syndrome (PJS). Also called: POLYPOSIS, HAMARTOMATOUS INTESTINAL; POLYPS-AND-SPOTS SYNDROME; Peutz-Jeghers polyposis; Periorificial lentiginosis syndrome. Identifiers: Orphanet 2869, MedGen C0031269, MeSH D010580, MONDO:0008280, OMIM 175200.

Submissions (3):

Myriad Genetics, Inc.
Classification: Benign for Peutz-Jeghers syndrome. Last evaluated: 2025-03-26. Review status: criteria provided, single submitter. Criteria: Myriad Autosomal Dominant, Autosomal Recessive and X-Linked Classification Criteria (2023). Collection method: clinical testing. Allele origin: unknown.
Comment: This variant is considered benign. This variant is a silent/synonymous amino acid change and it is not expected to impact splicing.

Color Diagnostics, LLC DBA Color Health
Classification: Likely benign for Hereditary cancer-predisposing syndrome. Last evaluated: 2017-03-06. Review status: criteria provided, single submitter. Criteria: ACMG Guidelines, 2015. Collection method: clinical testing. Allele origin: germline.

Ambry Genetics
Classification: Likely benign for Hereditary cancer-predisposing syndrome. Last evaluated: 2015-10-03. Review status: criteria provided, single submitter. Criteria: Ambry Variant Classification Scheme 2023. Collection method: clinical testing. Allele origin: germline.

NM_000455.5(STK11):c.498C>T (p.Tyr166=)

Gene: STK11 (serine/threonine kinase 11; plus strand). Cytogenetic location: 19p13.3.
Variant type: single nucleotide variant.
Coding change: c.498C>T on transcript NM_000455.5 (MANE Select); coding-DNA position 498, C replaced by T.
Protein change: p.Tyr166=; no amino-acid change (tyrosine 166 retained).
Molecular consequence: synonymous variant.
Genome position (GRCh38, 1-based): chr19:1,220,406, C>T. VCF-style: chr19-1220406-C-T. GRCh37 (hg19) VCF-style: chr19-1220405-C-T.
Identifiers: ClinVar variation 492535 (VCV000492535.6), dbSNP rs1555738205, ClinGen allele CA504892300.